The following is an entry in ClinVar:

ClinVar aggregate classification (germline): Likely benign. Review status: criteria provided, multiple submitters, no conflicts (2 of 4 stars). 3 submissions from 3 submitters: Likely benign (2). 1 of the submissions does not count toward it. Last evaluated 2026-09-01.

Conditions:
CREBBP-related disorder. Also called: CREBBP-related condition; CREBBP-related disorders.
Rubinstein-Taybi syndrome (RSTS). Identifiers: Orphanet 783, MedGen C0035934, MONDO:0019188.

Allele frequency attached by ClinVar (database versions not stated): gnomAD exomes 0.00003 and 0.00001; gnomAD 0.00002 and 0.00003.
gnomAD v4.1: 15 of 1,584,634 alleles (0.00095%); highest among the groups gnomAD compares: Admixed American, 0.017%; no homozygotes.

Submissions (3):

CeGaT Center for Human Genetics Tuebingen
Classification: Likely benign. Last evaluated: 2026-09-01. Review status: criteria provided, single submitter. Criteria: CeGaT Center For Human Genetics Tuebingen Variant Classification Criteria Version 2. Collection method: clinical testing. Allele origin: germline. Affected: yes. Observed: 1 variant allele.
Comment: CREBBP: BP4, BP7

Labcorp Genetics (formerly Invitae), Labcorp
Classification: Likely benign for Rubinstein-Taybi syndrome. Last evaluated: 2025-12-13. Review status: criteria provided, single submitter. Criteria: Invitae Variant Classification Sherloc (09022015). Collection method: clinical testing. Allele origin: germline.

PreventionGenetics, part of Exact Sciences
Classification: Likely benign for CREBBP-related condition. Last evaluated: 2022-03-23. Review status: no assertion criteria provided. Collection method: clinical testing. Allele origin: germline. Not counted in ClinVar's aggregate classification.
Comment: This variant is classified as likely benign based on ACMG/AMP sequence variant interpretation guidelines (Richards et al. 2015 PMID: 25741868, with internal and published modifications).

NM_004380.3(CREBBP):c.5970C>T (p.Thr1990=)

Gene: CREBBP (CREB binding lysine acetyltransferase; minus strand). Cytogenetic location: 16p13.3.
Variant type: single nucleotide variant.
Coding change: c.5970C>T on transcript NM_004380.3 (MANE Select); coding-DNA position 5970, C replaced by T.
Protein change: p.Thr1990=; no amino-acid change (threonine 1990 retained).
Molecular consequence: synonymous variant.
Genome position (GRCh38, 1-based): chr16:3,729,077, G>A on the plus strand (C>T on the coding strand, the complement: CREBBP is on the minus strand). VCF-style: chr16-3729077-G-A. GRCh37 (hg19) VCF-style: chr16-3779078-G-A.
Other names: c.5856C>T, p.Thr1952= (NM_001079846.1); c.5970C>T (NM_004380.2).
Identifiers: ClinVar variation 1541631 (VCV001541631.11), dbSNP rs773118274, ClinGen allele CA7869210.